The following is an entry in ClinVar:

ClinVar aggregate classification (germline): Uncertain significance. Review status: criteria provided, multiple submitters, no conflicts (2 of 4 stars). 3 submissions from 3 submitters: Uncertain significance (3). Last evaluated 2025-09-18.

Conditions:
Cardiomyopathy (CMYO). Also called: Cardiomyopathies. Identifiers: Orphanet 167848, MedGen C0878544, MONDO:0004994, HP:0001638. Inheritance: Various modes of inheritance.
Hypertrophic cardiomyopathy. Also called: HYPERTROPHIC MYOCARDIOPATHY. Identifiers: Orphanet 217569, MedGen C0007194, MeSH D002312, MONDO:0005045, HP:0001639.

gnomAD v4.1: 1 of 1,612,286 alleles (0.000062%); highest among the groups gnomAD compares: Non-Finnish European, 0.000085%; no homozygotes.

Submissions (3):

Labcorp Genetics (formerly Invitae), Labcorp
Classification: Uncertain significance for Hypertrophic cardiomyopathy. Last evaluated: 2025-09-18. Review status: criteria provided, single submitter. Criteria: Invitae Variant Classification Sherloc (09022015). Collection method: clinical testing. Allele origin: germline.
Comment: This sequence change replaces asparagine, which is neutral and polar, with serine, which is neutral and polar, at codon 1448 of the MYH7 protein (p.Asn1448Ser). This variant is not present in population databases (gnomAD no frequency). This missense change has been observed in individual(s) with hypertrophic cardiomyopathy (PMID: 27532257, 37652022). ClinVar contains an entry for this variant (Variation ID: 1407727). Invitae Evidence Modeling of protein sequence and biophysical properties (such as structural, functional, and spatial information, amino acid conservation, physicochemical variation, residue mobility, and thermodynamic stability) has been performed for this missense variant. However, the output from this modeling did not meet the statistical confidence thresholds required to predict the impact of this variant on MYH7 protein function. In summary, the available evidence is currently insufficient to determine the role of this variant in disease. Therefore, it has been classified as a Variant of Uncertain Significance.

GeneDx
Classification: Uncertain significance. Last evaluated: 2024-08-09. Review status: criteria provided, single submitter. Criteria: GeneDx Variant Classification Process June 2021. Collection method: clinical testing. Allele origin: germline. Affected: yes.
Comment: Not observed at significant frequency in large population cohorts (gnomAD); In silico analysis supports that this missense variant has a deleterious effect on protein structure/function; Reported in a patient with hypertrophic cardiomyopathy; however, familial segregation information and additional clinical information were not provided (PMID: 37652022); This variant is associated with the following publications: (PMID: 27532257, 37652022)

All of Us Research Program, National Institutes of Health
Classification: Uncertain significance for Cardiomyopathy. Last evaluated: 2023-06-26. Review status: criteria provided, single submitter. Criteria: ACMG Guidelines, 2015. Collection method: clinical testing. Allele origin: germline. Inheritance: Autosomal dominant inheritance. Observed: 1 variant allele, 1 heterozygote.
Comment: This missense variant replaces asparagine with serine at codon 1448 of the MYH7 protein. Computational prediction suggests that this variant may not impact protein structure and function (internally defined REVEL score threshold <= 0.5, PMID: 27666373). To our knowledge, functional studies have not been reported for this variant. This variant has been reported in an individual affected with hypertrophic cardiomyopathy (PMID: 27532257). This variant has not been identified in the general population by the Genome Aggregation Database (gnomAD). The available evidence is insufficient to determine the role of this variant in disease conclusively. Therefore, this variant is classified as a Variant of Uncertain Significance.

This study involves interpretation of variants in research participants for the purpose of population health screening. Participant phenotype was not available at the time of variant classification. Additional details can be found in publication PMID: 35346344, PMCID: PMC8962531

Literature cited by the submitters: PubMed 27532257 (cited by Labcorp Genetics (formerly Invitae), Labcorp and All of Us Research Program, National Institutes of Health); PubMed 37652022 (cited by Labcorp Genetics (formerly Invitae), Labcorp).

NM_000257.4(MYH7):c.4343A>G (p.Asn1448Ser)

Genes: MHRT (myosin heavy chain associated RNA transcript; plus strand), MYH7 (myosin heavy chain 7; minus strand). Cytogenetic location: 14q11.2.
Variant type: single nucleotide variant.
Coding change: c.4343A>G on transcript NM_000257.4 (MANE Select); coding-DNA position 4343, A replaced by G.
Protein change: p.Asn1448Ser; replaces asparagine 1448 with serine.
Molecular consequence: missense variant.
Genome position (GRCh38, 1-based): chr14:23,417,513, T>C on the plus strand (A>G on the coding strand, the complement: MYH7 is on the minus strand). VCF-style: chr14-23417513-T-C. GRCh37 (hg19) VCF-style: chr14-23886722-T-C.
Other names: c.4343A>G (NM_000257.2); short protein forms N1448S.
Identifiers: ClinVar variation 1407727 (VCV001407727.8), dbSNP rs753484341, ClinGen allele CA389040018.
Genomic context (GRCh38, chr14:23,417,513, plus strand): 5'-TCATGCCCCCTTGCCCTGCATGCTGGCTGCGGCCCCCACCCAGGGCCCACCTTGTCGAAG[T>C]TCCTCTGCTTCTTGTCCAGGGCTGCAGCAGCAGCATTGGAGCGCTCTACGTCCACCATCA-3'
Protein context (NP_000248.2, residues 1438-1458): AAAALDKKQR[Asn1448Ser]FDKILAEWKQ